The following is an entry in ClinVar:

NM_000112.4(SLC26A2):c.213_219del (p.Lys72fs)

Gene: SLC26A2 (solute carrier family 26 member 2; plus strand). Cytogenetic location: 5q32.
Variant type: Deletion.
Coding change: c.213_219del on transcript NM_000112.4 (MANE Select); coding-DNA positions 213 to 219, 7 bases deleted (TAAAAAG; older notation c.213_219delTAAAAAG).
Protein change: p.Lys72fs; shifts the reading frame from lysine 72.
Molecular consequence: frameshift variant.
Genome position (GRCh38, 1-based): chr5:149,977,865-149,977,871, TAAAAAG deleted. VCF-style (leftmost placement, unchanged base first): chr5-149977864-TTAAAAAG-T. GRCh37 (hg19) VCF-style: chr5-149357427-TTAAAAAG-T.
Other names: c.213_219delTAAAAAG, p.Lys72Cysfs (NM_000112.3); short protein forms K72fs.
Identifiers: ClinVar variation 4061633 (VCV004061633.2).
Genomic context (GRCh38, chr5:149,977,864, plus strand): 5'-ATCATAGGATCCTTATTGAGCGTCAAGAGAAATCAGATACAAACTTCAAGGAGTTTGTTA[TTAAAAAG>T]CTGCAGAAGAATTGCCAGTGCAGTCCAGCCAAAGCCAAAAATATGATTTTAGGTTTCCTT-3'

ClinVar aggregate classification (germline): Likely pathogenic (1 of 4 stars; one submission).

Conditions:
Achondrogenesis, type IB (ACG1B). Also called: Achondrogenesis Type 1B. Identifiers: Orphanet 932, Orphanet 93298, MedGen C0265274, MONDO:0010966, OMIM 600972.

Submission:

Natera, Inc.
Classification: Likely pathogenic for Achondrogenesis type IB. Last evaluated: 2025-02-07. Review status: criteria provided, single submitter. Criteria: Natera Variant Classification Schema (03/2026). Collection method: clinical testing. Allele origin: germline.
Comment: The c.213_219del variant in SLC26A2 is a frameshift variant predicted to shift the reading frame beginning at codon 72 and leads to a stop codon 15 codons downstream. This variant is expected to result in nonsense mediated decay, truncation, or a dysfunctional protein product. This variant is rare in the general population with a frequency below the threshold expected for the associated phenotype(s). Given the available evidence, this variant is classified as Likely Pathogenic.